The following is an entry in ClinVar:

ClinVar aggregate classification (germline): Pathogenic (1 of 4 stars; one submission).

Conditions:
Glycogen storage disease, type VII (GSD7). Also called: GSD VII; MUSCLE PHOSPHOFRUCTOKINASE DEFICIENCY; PFKM DEFICIENCY; TARUI DISEASE. Identifiers: Orphanet 371, MedGen C0017926, MONDO:0009295, OMIM 232800.

Submission:

Labcorp Genetics (formerly Invitae), Labcorp
Classification: Pathogenic for Glycogen storage disease, type VII. Last evaluated: 2018-08-03. Review status: criteria provided, single submitter. Criteria: Invitae Variant Classification Sherloc (09022015). Collection method: clinical testing. Allele origin: germline.
Comment: This sequence change creates a premature translational stop signal (p.Tyr644*) in the PFKM gene. It is expected to result in an absent or disrupted protein product. This variant is not present in population databases (ExAC no frequency). This variant has not been reported in the literature in individuals with PFKM-related disease. Loss-of-function variants in PFKM are known to be pathogenic (PMID: 7825568, 8037209). For these reasons, this variant has been classified as Pathogenic.

Literature cited by the submitters: PubMed 7825568; PubMed 8037209.

NM_000289.6(PFKM):c.1929_1933del (p.Leu643_Tyr644insTer)

Gene: PFKM (phosphofructokinase, muscle; plus strand). Cytogenetic location: 12q13.11.
Variant type: Deletion.
Coding change: c.1929_1933del on transcript NM_000289.6 (MANE Select); coding-DNA positions 1929 to 1933, 5 bases deleted (GTACT; older notation c.1929_1933delGTACT).
Protein change: p.Leu643_Tyr644insTer.
Molecular consequence: frameshift variant. On other transcripts: non-coding transcript variant (6).
Genome position (GRCh38, 1-based): chr12:48,144,094-48,144,098, GTACT deleted; deleting any 5 consecutive bases within chr12:48,144,092-48,144,098 gives the same sequence; the c. name uses the placement nearest the transcript's 3' end. VCF-style (leftmost placement, unchanged base first): chr12-48144091-CCTGTA-C. GRCh37 (hg19) VCF-style: chr12-48537874-CCTGTA-C.
Other names: c.1779_1783del, p.Leu593_Tyr594insTer (NM_001354747.2, NM_001354748.2); c.1836_1840del, p.Leu612_Tyr613insTer (NM_001363619.2); c.2142_2146del, p.Leu714_Tyr715insTer (NM_001166686.2, NM_001354737.1, NM_001354738.1 and 1 more transcripts); c.1929_1933del, p.Leu643_Tyr644insTer (NM_001166687.2, NM_001166688.2, NM_001354742.2 and 2 more transcripts); c.2238_2242del, p.Leu746_Tyr747insTer (NM_001354735.1, NM_001354736.1); c.2073_2077del, p.Leu691_Tyr692insTer (NM_001354740.1); c.1953_1957del, p.Leu651_Tyr652insTer (NM_001354741.2); c.1842_1846del, p.Leu614_Tyr615insTer (NM_001354745.2); and 1 more.
Identifiers: ClinVar variation 660611 (VCV000660611.6), dbSNP rs1592818641, ClinGen allele CA915947911.
Genomic context (GRCh38, chr12:48,144,091, plus strand): 5'-GTCTCCACCTGGCAGGAATGAAAAGTGCAATGAGAACTATACCACTGACTTCATTTTCAA[CCTGTA>C]CTCTGAGGAGGGGAAGGGCATCTTCGACAGCAGGAAGAATGTGCTTGGTCACATGCAGCA-3'